The following is an entry in ClinVar:

NM_138927.4(SON):c.1416A>T (p.Pro472=)

Gene: SON (SON DNA and RNA binding protein; plus strand). Cytogenetic location: 21q22.11.
Variant type: single nucleotide variant.
Coding change: c.1416A>T on transcript NM_138927.4 (MANE Select); coding-DNA position 1416, A replaced by T.
Protein change: p.Pro472=; no amino-acid change (proline 472 retained).
Molecular consequence: synonymous variant. On other transcripts: non-coding transcript variant (1), intron variant (1).
Genome position (GRCh38, 1-based): chr21:33,550,647, A>T. VCF-style: chr21-33550647-A-T. GRCh37 (hg19) VCF-style: chr21-34922953-A-T.
Other names: c.1416A>T, p.Pro472= (NM_001291411.2, NM_032195.3); c.244+4268A>T (NM_001291412.3).
Identifiers: ClinVar variation 4873990 (VCV004873990.2).
Genomic context (GRCh38, chr21:33,550,647, plus strand): 5'-ATTGCCAGGGCTTCCAGCACCATCCATGGGGTTGGAGCCACCACAGGAGGTACCAGAGCC[A>T]CCTGTGATGGCACAGGAGTTGCCAGGGCTGCCTTTGGTGACAGCAGCAGTAGAGTTGCCA-3'
Protein context (NP_620305.3, residues 462-482): GLEPPQEVPE[Pro472=]PVMAQELPGL

ClinVar aggregate classification (germline): Likely benign (1 of 4 stars; one submission).

Submission:

CeGaT Center for Human Genetics Tuebingen
Classification: Likely benign. Last evaluated: 2026-07-01. Review status: criteria provided, single submitter. Criteria: CeGaT Center For Human Genetics Tuebingen Variant Classification Criteria Version 2. Collection method: clinical testing. Allele origin: germline. Affected: yes. Observed: 3 variant alleles.
Comment: SON: PM2:Supporting, BP4, BP7